The following is an entry in ClinVar:

NM_001106.4(ACVR2B):c.*8141C>A

Gene: ACVR2B (activin A receptor type 2B; plus strand). Cytogenetic location: 3p22.2.
Variant type: single nucleotide variant.
Coding change: c.*8141C>A on transcript NM_001106.4 (MANE Select); 8141 bases downstream of the stop codon, C replaced by A.
Molecular consequence: 3 prime UTR variant.
Genome position (GRCh38, 1-based): chr3:38,491,473, C>A. VCF-style: chr3-38491473-C-A. GRCh37 (hg19) VCF-style: chr3-38532964-C-A.
Identifiers: ClinVar variation 345028 (VCV000345028.5), dbSNP rs114378912, ClinGen allele CA10618645.

ClinVar aggregate classification (germline): Benign (1 of 4 stars; one submission).

Conditions:
Heterotaxy, visceral, 4, autosomal (HTX4). Identifiers: Orphanet 450, MedGen C3151057, MONDO:0013403, OMIM 613751.

Allele frequency attached by ClinVar (database versions not stated): 1000 Genomes Project 0.00599; 1000 Genomes Project 30x 0.00640; TOPMed 0.01154; gnomAD 0.01413 and 0.01477; gnomAD exomes 0.02778.
gnomAD v4.1: 2,158 of 152,768 alleles (1.4%); highest among the groups gnomAD compares: Admixed American, 1.8%; 29 homozygotes.

Submission:

Illumina Laboratory Services, Illumina
Classification: Benign for Heterotaxy, visceral, 4, autosomal. Last evaluated: 2018-01-13. Review status: criteria provided, single submitter. Criteria: ICSL Variant Classification Criteria 13 December 2019. Collection method: clinical testing. Allele origin: germline.
Comment: This variant was observed in the ICSL laboratory as part of a predisposition screen in an ostensibly healthy population. It had not been previously curated by ICSL or reported in the Human Gene Mutation Database (HGMD: prior to June 1st, 2018), and was therefore a candidate for classification through an automated scoring system. Utilizing variant allele frequency, disease prevalence and penetrance estimates, and inheritance mode, an automated score was calculated to assess if this variant is too frequent to cause the disease. Based on the score and internal cut-off values, a variant classified as benign is not then subjected to further curation. The score for this variant resulted in a classification of benign for this disease.